The following is an entry in ClinVar:

ClinVar aggregate classification (germline): Uncertain significance (1 of 4 stars; one submission).

Conditions:
Epileptic encephalopathy. Identifiers: MedGen C0543888, HP:0200134.

gnomAD v4.1: 3 of 1,565,480 alleles (0.00019%); highest among the groups gnomAD compares: East Asian, 0.0024%; no homozygotes.

Submission:

Labcorp Genetics (formerly Invitae), Labcorp
Classification: Uncertain significance for Epileptic encephalopathy. Last evaluated: 2025-11-28. Review status: criteria provided, single submitter. Criteria: Invitae Variant Classification Sherloc (09022015). Collection method: clinical testing. Allele origin: germline.
Comment: This sequence change replaces glutamic acid, which is acidic and polar, with lysine, which is basic and polar, at codon 1281 of the FASN protein (p.Glu1281Lys). This variant is not present in population databases (gnomAD no frequency). This variant has not been reported in the literature in individuals affected with FASN-related conditions. An algorithm developed to predict the effect of missense changes on protein structure and function outputs the following: PolyPhen-2: "Benign". The lysine amino acid residue is found in multiple mammalian species, which suggests that this missense change does not adversely affect protein function. In summary, the available evidence is currently insufficient to determine the role of this variant in disease. Therefore, it has been classified as a Variant of Uncertain Significance.

NM_004104.5(FASN):c.3841G>A (p.Glu1281Lys)

Gene: FASN (fatty acid synthase; minus strand). Cytogenetic location: 17q25.3.
Variant type: single nucleotide variant.
Coding change: c.3841G>A on transcript NM_004104.5 (MANE Select); coding-DNA position 3841, G replaced by A.
Protein change: p.Glu1281Lys; replaces glutamic acid 1281 with lysine.
Molecular consequence: missense variant.
Genome position (GRCh38, 1-based): chr17:82,085,763, C>T on the plus strand (G>A on the coding strand, the complement: FASN is on the minus strand). VCF-style: chr17-82085763-C-T. GRCh37 (hg19) VCF-style: chr17-80043639-C-T.
Other names: short protein forms E1281K.
Identifiers: ClinVar variation 4732111 (VCV004732111.1).